The following is an entry in ClinVar:

NM_001271938.2(MEGF8):c.8132C>T (p.Pro2711Leu)

Gene: MEGF8 (multiple EGF like domains 8; plus strand). Cytogenetic location: 19q13.2.
Variant type: single nucleotide variant.
Coding change: c.8132C>T on transcript NM_001271938.2 (MANE Select); coding-DNA position 8132, C replaced by T.
Protein change: p.Pro2711Leu; replaces proline 2711 with leucine.
Molecular consequence: missense variant.
Genome position (GRCh38, 1-based): chr19:42,376,369, C>T. VCF-style: chr19-42376369-C-T. GRCh37 (hg19) VCF-style: chr19-42880521-C-T.
Other names: c.7931C>T, p.Pro2644Leu (NM_001410.3); short protein forms P2644L, P2711L.
Identifiers: ClinVar variation 2272531 (VCV002272531.3), dbSNP rs377485395, ClinGen allele CA9476322.

ClinVar aggregate classification (germline): Conflicting classifications of pathogenicity. Review status: criteria provided, conflicting classifications (1 of 4 stars). 2 submissions from 2 submitters: Uncertain significance (1); Likely benign (1). Last evaluated 2024-11-07.

Conditions:
Inborn genetic diseases. Identifiers: MedGen C0950123, MeSH D030342.

Allele frequency attached by ClinVar (database versions not stated): ExAC 0.00003; gnomAD exomes 0.00003; gnomAD 0.00004; ESP Exome Variant Server 0.00008; TOPMed 0.00008.
gnomAD v4.1: 50 of 1,613,282 alleles (0.0031%); highest among the groups gnomAD compares: Admixed American, 0.013%; no homozygotes.

Submissions (2):

GeneDx
Classification: Uncertain significance. Last evaluated: 2024-11-07. Review status: criteria provided, single submitter. Criteria: GeneDx Variant Classification Process June 2021. Collection method: clinical testing. Allele origin: germline. Affected: yes.
Comment: In silico analysis supports that this missense variant has a deleterious effect on protein structure/function; Has not been previously published as pathogenic or benign to our knowledge

Ambry Genetics
Classification: Likely benign for Inborn genetic diseases. Last evaluated: 2022-01-19. Review status: criteria provided, single submitter. Criteria: Ambry Variant Classification Scheme 2023. Collection method: clinical testing. Allele origin: germline.